The following is an entry in ClinVar:

NM_006231.4(POLE):c.8T>C (p.Leu3Pro)

Genes: POLE (DNA polymerase epsilon, catalytic subunit; minus strand), LOC130009266 (ATAC-STARR-seq lymphoblastoid silent region 5123; plus strand). Cytogenetic location: 12q24.33.
Variant type: single nucleotide variant.
Coding change: c.8T>C on transcript NM_006231.4 (MANE Select); coding-DNA position 8, T replaced by C.
Protein change: p.Leu3Pro; replaces leucine 3 with proline.
Molecular consequence: missense variant.
Genome position (GRCh38, 1-based): chr12:132,687,308, A>G on the plus strand (T>C on the coding strand, the complement: POLE is on the minus strand). VCF-style: chr12-132687308-A-G. GRCh37 (hg19) VCF-style: chr12-133263894-A-G.
Other names: c.8T>C (NM_006231.2); short protein forms L3P.
Identifiers: ClinVar variation 2143611 (VCV002143611.5), dbSNP rs2542222434, ClinGen allele CA387373552.

ClinVar aggregate classification (germline): Uncertain significance. Review status: criteria provided, multiple submitters, no conflicts (2 of 4 stars). 2 submissions from 2 submitters: Uncertain significance (2). Last evaluated 2023-02-01.

gnomAD v4.1: 1 of 1,502,930 alleles (0.000067%); no homozygotes.

Submissions (2):

GeneDx
Classification: Uncertain significance. Last evaluated: 2023-02-01. Review status: criteria provided, single submitter. Criteria: GeneDx Variant Classification Process June 2021. Collection method: clinical testing. Allele origin: germline. Affected: yes.
Comment: Not observed at significant frequency in large population cohorts (gnomAD); In silico analysis supports that this missense variant does not alter protein structure/function; Has not been previously published as pathogenic or benign to our knowledge

Labcorp Genetics (formerly Invitae), Labcorp
Classification: Uncertain significance. Last evaluated: 2022-04-12. Review status: criteria provided, single submitter. Criteria: Invitae Variant Classification Sherloc (09022015). Collection method: clinical testing. Allele origin: germline.
Comment: In summary, the available evidence is currently insufficient to determine the role of this variant in disease. Therefore, it has been classified as a Variant of Uncertain Significance. Algorithms developed to predict the effect of missense changes on protein structure and function are either unavailable or do not agree on the potential impact of this missense change (SIFT: "Deleterious"; PolyPhen-2: "Not Available"; Align-GVGD: "Class C0"). This variant has not been reported in the literature in individuals affected with POLE-related conditions. This variant is not present in population databases (gnomAD no frequency). This sequence change replaces leucine, which is neutral and non-polar, with proline, which is neutral and non-polar, at codon 3 of the POLE protein (p.Leu3Pro).